The following is an entry in ClinVar:

NM_001145805.2(IRGM):c.285G>A (p.Gly95=)

Gene: IRGM (immunity related GTPase M; plus strand). Cytogenetic location: 5q33.1.
Variant type: single nucleotide variant.
Coding change: c.285G>A on transcript NM_001145805.2 (MANE Select); coding-DNA position 285, G replaced by A.
Protein change: p.Gly95=; no amino-acid change (glycine 95 retained).
Molecular consequence: synonymous variant. On other transcripts: non-coding transcript variant (1).
Genome position (GRCh38, 1-based): chr5:150,848,408, G>A. VCF-style: chr5-150848408-G-A. GRCh37 (hg19) VCF-style: chr5-150227970-G-A.
Other names: c.285G>A (NM_001145805.1); c.285G>A, p.Gly95= (NM_001346557.2).
Identifiers: ClinVar variation 2655939 (VCV002655939.25), dbSNP rs567362649, ClinGen allele CA3515043.

ClinVar aggregate classification (germline): Likely benign. Review status: criteria provided, single submitter (1 of 4 stars). 2 submissions from 2 submitters: Likely benign (1). 1 of the submissions does not count toward it. Last evaluated 2022-05-01.

Conditions:
IRGM-related disorder. Also called: IRGM-related condition.

Allele frequency attached by ClinVar (database versions not stated): TOPMed 0.00001; gnomAD 0.00008; gnomAD exomes 0.00011; ExAC 0.00070; 1000 Genomes Project 30x 0.00094; 1000 Genomes Project 0.00100.
gnomAD v4.1: 165 of 1,551,852 alleles (0.011%); highest among the groups gnomAD compares: South Asian, 0.18%; no homozygotes.

Submissions (2):

CeGaT Center for Human Genetics Tuebingen
Classification: Likely benign. Last evaluated: 2022-05-01. Review status: criteria provided, single submitter. Criteria: CeGaT Center For Human Genetics Tuebingen Variant Classification Criteria Version 2. Collection method: clinical testing. Allele origin: germline. Affected: yes. Observed: 1 variant allele.
Comment: IRGM: BP4, BP7

PreventionGenetics, part of Exact Sciences
Classification: Likely benign for IRGM-related condition. Last evaluated: 2019-02-19. Review status: no assertion criteria provided. Collection method: clinical testing. Allele origin: germline. Not counted in ClinVar's aggregate classification.
Comment: This variant is classified as likely benign based on ACMG/AMP sequence variant interpretation guidelines (Richards et al. 2015 PMID: 25741868, with internal and published modifications).